The following is an entry in ClinVar:

NM_004974.4(KCNA2):c.808del (p.Leu270fs)

Gene: KCNA2 (potassium voltage-gated channel subfamily A member 2; minus strand). Cytogenetic location: 1p13.3.
Variant type: Deletion.
Coding change: c.808del on transcript NM_004974.4 (MANE Select); coding-DNA position 808, one base deleted (C; older notation c.808delC).
Protein change: p.Leu270fs; shifts the reading frame from leucine 270.
Molecular consequence: frameshift variant.
Genome position (GRCh38, 1-based): chr1:110,603,975, G deleted on the plus strand (C on the coding strand, the reverse complement: KCNA2 is on the minus strand); the first of 3 consecutive G bases (chr1:110,603,975-110,603,977); deleting any one gives the same sequence. VCF-style (leftmost placement, unchanged base first): chr1-110603974-AG-A. GRCh37 (hg19) VCF-style: chr1-111146596-AG-A.
Other names: c.808del, p.Leu270fs (NM_001204269.2); short protein forms L270fs.
Identifiers: ClinVar variation 1448159 (VCV001448159.6), dbSNP rs2101399144, ClinGen allele CA2573130952.
Genomic context (GRCh38, chr1:110,603,974, plus strand): 5'-AGTGACATGGCCTGCTGGCCTTGCTGAGCGTCCTCTGGCTTCTCAGCCAACTCTGTCCCC[AG>A]GGTGATGAAGTAGGGGATGATGGCCACAATGTCAATGATGTTCATGATGTTGGTGAAGAA-3'

ClinVar aggregate classification (germline): Uncertain significance (1 of 4 stars; one submission).

Conditions:
Developmental and epileptic encephalopathy, 32 (DEE32). Also called: Epileptic encephalopathy, early infantile, 32. Identifiers: Orphanet 442835, MedGen C4225350, MONDO:0014607, OMIM 616366.

Submission:

Labcorp Genetics (formerly Invitae), Labcorp
Classification: Uncertain significance for Developmental and epileptic encephalopathy, 32. Last evaluated: 2024-02-17. Review status: criteria provided, single submitter. Criteria: Invitae Variant Classification Sherloc (09022015). Collection method: clinical testing. Allele origin: germline.
Comment: This sequence change creates a premature translational stop signal (p.Leu270Trpfs*30) in the KCNA2 gene. While this is not anticipated to result in nonsense mediated decay, it is expected to disrupt the last 230 amino acid(s) of the KCNA2 protein. This variant is not present in population databases (gnomAD no frequency). This variant has not been reported in the literature in individuals affected with KCNA2-related conditions. ClinVar contains an entry for this variant (Variation ID: 1448159). Experimental studies and prediction algorithms are not available or were not evaluated, and the functional significance of this variant is currently unknown. In summary, the available evidence is currently insufficient to determine the role of this variant in disease. Therefore, it has been classified as a Variant of Uncertain Significance.